The following is an entry in ClinVar:

NM_014319.5(LEMD3):c.535G>A (p.Ala179Thr)

Gene: LEMD3 (LEM domain containing 3; plus strand). Cytogenetic location: 12q14.3.
Variant type: single nucleotide variant.
Coding change: c.535G>A on transcript NM_014319.5 (MANE Select); coding-DNA position 535, G replaced by A.
Protein change: p.Ala179Thr; replaces alanine 179 with threonine.
Molecular consequence: missense variant.
Genome position (GRCh38, 1-based): chr12:65,170,131, G>A. VCF-style: chr12-65170131-G-A. GRCh37 (hg19) VCF-style: chr12-65563911-G-A.
Other names: c.535G>A, p.Ala179Thr (NM_001167614.2); short protein forms A179T.
Identifiers: ClinVar variation 1959252 (VCV001959252.5), dbSNP rs2136312721, ClinGen allele CA385673419.
Genomic context (GRCh38, chr12:65,170,131, plus strand): 5'-AGGAAAGACCGGGCTTCGCTCCAGTACCGCGGGCTCAAAGCGCCGCCGGCGCCCCTGGCC[G>A]CCAGCGAGGTGACTAACAGCAACTCTGCAGAGCGAAGGAAGCCCCACTCGTGGTGGGGGG-3'
Protein context (NP_055134.2, residues 169-189): GLKAPPAPLA[Ala179Thr]SEVTNSNSAE

ClinVar aggregate classification (germline): Uncertain significance (1 of 4 stars; one submission).

Allele frequency attached by ClinVar (database versions not stated): gnomAD exomes below 0.00001.
gnomAD v4.1: 3 of 1,464,256 alleles (0.0002%); highest among the groups gnomAD compares: Non-Finnish European, 0.00027%; no homozygotes.

Submission:

Labcorp Genetics (formerly Invitae), Labcorp
Classification: Uncertain significance. Last evaluated: 2022-12-06. Review status: criteria provided, single submitter. Criteria: Invitae Variant Classification Sherloc (09022015). Collection method: clinical testing. Allele origin: germline.
Comment: This sequence change replaces alanine, which is neutral and non-polar, with threonine, which is neutral and polar, at codon 179 of the LEMD3 protein (p.Ala179Thr). In summary, the available evidence is currently insufficient to determine the role of this variant in disease. Therefore, it has been classified as a Variant of Uncertain Significance. Advanced modeling of protein sequence and biophysical properties (such as structural, functional, and spatial information, amino acid conservation, physicochemical variation, residue mobility, and thermodynamic stability) performed at Invitae indicates that this missense variant is not expected to disrupt LEMD3 protein function. This variant has not been reported in the literature in individuals affected with LEMD3-related conditions. This variant is not present in population databases (gnomAD no frequency).